The following is an entry in ClinVar:

NM_015161.3(ARL6IP1):c.-2C>G

Genes: ARL6IP1 (ARL6 interacting reticulophagy regulator 1; minus strand), LOC130058582 (ATAC-STARR-seq lymphoblastoid active region 10520; plus strand). Cytogenetic location: 16p12.3.
Variant type: single nucleotide variant.
Coding change: c.-2C>G on transcript NM_015161.3 (MANE Select); 2 bases upstream of the start codon, C replaced by G.
Molecular consequence: 5 prime UTR variant.
Genome position (GRCh38, 1-based): chr16:18,801,468, G>C on the plus strand (C>G on the coding strand, the complement: ARL6IP1 is on the minus strand). VCF-style: chr16-18801468-G-C. GRCh37 (hg19) VCF-style: chr16-18812790-G-C.
Identifiers: ClinVar variation 4981110 (VCV004981110.1).

ClinVar aggregate classification (germline): Likely benign (1 of 4 stars; one submission).

Conditions:
ARL6IP1-related disorder. Also called: ARL6IP1-related condition.

Submission:

PreventionGenetics, part of Exact Sciences
Classification: Likely benign for ARL6IP1-related condition. Last evaluated: 2026-03-12. Review status: criteria provided, single submitter. Criteria: ACMG Guidelines, 2015. Collection method: clinical testing. Allele origin: germline.
Comment: This variant is classified as likely benign based on ACMG/AMP sequence variant interpretation guidelines (Richards et al. 2015 PMID: 25741868, with internal and published modifications).